The following is an entry in ClinVar:

NM_002335.4(LRP5):c.311T>C (p.Ile104Thr)

Gene: LRP5 (LDL receptor related protein 5; plus strand). Cytogenetic location: 11q13.2.
Variant type: single nucleotide variant.
Coding change: c.311T>C on transcript NM_002335.4 (MANE Select); coding-DNA position 311, T replaced by C.
Protein change: p.Ile104Thr; replaces isoleucine 104 with threonine.
Molecular consequence: missense variant. On other transcripts: 5 prime UTR variant (1).
Genome position (GRCh38, 1-based): chr11:68,348,066, T>C. VCF-style: chr11-68348066-T-C. GRCh37 (hg19) VCF-style: chr11-68115534-T-C.
Other names: c.-1455T>C (NM_001291902.2); short protein forms I104T.
Identifiers: ClinVar variation 1898754 (VCV001898754.5), dbSNP rs1177918894, ClinGen allele CA381610509.
Genomic context (GRCh38, chr11:68,348,066, plus strand): 5'-AGGAGGCCATCAAGCAGACCTACCTGAACCAGACGGGGGCCGCCGTGCAGAACGTGGTCA[T>C]CTCCGGCCTGGTCTCTCCCGACGGCCTCGCCTGCGACTGGGTGGGCAAGAAGCTGTACTG-3'
Protein context (NP_002326.2, residues 94-114): QTGAAVQNVV[Ile104Thr]SGLVSPDGLA

ClinVar aggregate classification (germline): Uncertain significance (1 of 4 stars; one submission).

Allele frequency attached by ClinVar (database versions not stated): gnomAD exomes below 0.00001; TOPMed below 0.00001; gnomAD 0.00001.
gnomAD v4.1: 2 of 1,613,986 alleles (0.00012%); highest among the groups gnomAD compares: African/African-American, 0.0027%; no homozygotes.

Submission:

Labcorp Genetics (formerly Invitae), Labcorp
Classification: Uncertain significance. Last evaluated: 2024-02-28. Review status: criteria provided, single submitter. Criteria: Invitae Variant Classification Sherloc (09022015). Collection method: clinical testing. Allele origin: germline.
Comment: This sequence change replaces isoleucine, which is neutral and non-polar, with threonine, which is neutral and polar, at codon 104 of the LRP5 protein (p.Ile104Thr). This variant is not present in population databases (gnomAD no frequency). This variant has not been reported in the literature in individuals affected with LRP5-related conditions. ClinVar contains an entry for this variant (Variation ID: 1898754). Advanced modeling of protein sequence and biophysical properties (such as structural, functional, and spatial information, amino acid conservation, physicochemical variation, residue mobility, and thermodynamic stability) performed at Invitae indicates that this missense variant is not expected to disrupt LRP5 protein function with a negative predictive value of 95%. In summary, the available evidence is currently insufficient to determine the role of this variant in disease. Therefore, it has been classified as a Variant of Uncertain Significance.